The following continues an entry in ClinVar:

NM_007194.4(CHEK2):c.499G>A (p.Gly167Arg)

Gene: CHEK2. ClinVar aggregate classification (germline): Pathogenic/Likely pathogenic. Pathogenic (4); Likely pathogenic (23).

Submissions 27 to 30 of 30:

University of Washington Department of Laboratory Medicine, University of Washington
Classification: Likely pathogenic for Breast and colorectal cancer, susceptibility to. Last evaluated: 2015-11-20. Review status: criteria provided, single submitter. Criteria: Shirts et al. (Genet Med 2016). Collection method: clinical testing. Allele origin: germline. Affected: no. Observed: 1 variant allele.

Medical Genetics Laboratory, Umraniye Training and Research Hospital, University of Health Sciences
Classification: Pathogenic for Breast carcinoma. Last evaluated: 2021-08-08. Review status: no assertion criteria provided. Collection method: clinical testing. Allele origin: germline. Inheritance: Autosomal dominant inheritance. Affected: yes. Observed: 1 variant allele, 1 heterozygote. Not counted in ClinVar's aggregate classification.

Center of Medical Genetics and Primary Health Care
Classification: Likely pathogenic for Familial cancer of breast. Last evaluated: 2020-04-08. Review status: no assertion criteria provided. Collection method: research. Allele origin: germline. Affected: yes. Observed: 1 heterozygote. Not counted in ClinVar's aggregate classification.
Comment: ACMG Guidelines 2015 criteria The CHEK2 variant p.Gly167Arg was observed in the kinase domain in a tight region between amino acid 407-499 and in a mutation hotspot of 13 pathogenic variants (PM1 Pathogenic Moderate). One functional study (PMID: 22419737) confirmed its damaging effect (PS3 Pathogenic Strong). Meantime, an equivalent variant (chr22:29121058 C>G (Gly167Arg)) at the same amino acid residue is classified as pathogenic by UniProt (PS1 Pathogenic Strong). The allele frequency in GnomAD exomes is 0.0000239 which is less the threshold 0.0001 for recessive gene CHEK2, and the variant is not found in GnomAD genomes (PM2 Pathogenic Moderate). Meantime, majority of missense variants detected in CHEK2 are pathogenic and known cause of disease (PP2 Pathogenic Supporting). 10 pathogenic predictions from DANN, DEOGEN2, EIGEN, FATHMM-MKL, M-CAP, MVP, MutationAssessor, MutationTaster, REVEL and SIFT versus 1 benign prediction from PrimateAI support its deleterious effect (PP3 Pathogenic Supporting). In summary, based on the evidence and given the previous reports of the variant in association with increased risk of breast cancer, we classified this variant as a Likely Pathogenic.

True Health Diagnostics
Classification: Likely pathogenic for Hereditary cancer-predisposing syndrome. Last evaluated: 2018-11-09. Review status: no assertion criteria provided. Collection method: clinical testing. Allele origin: germline. Not counted in ClinVar's aggregate classification.

Literature cited by the submitters: PubMed 33471991 (cited by 6 submitters); PubMed 37449874 (cited by 6 submitters); PubMed 12533788 (cited by 7 submitters); PubMed 15095295 (cited by 6 submitters); PubMed 22419737 (cited by 7 submitters); PubMed 25452411 (cited by Labcorp Genetics (formerly Invitae), Labcorp); PubMed 25503501 (cited by 3 submitters); PubMed 26976419 (cited by 4 submitters); PubMed 27616075 (cited by 4 submitters); PubMed 28888541 (cited by Labcorp Genetics (formerly Invitae), Labcorp and Department of Pathology and Laboratory Medicine, Sinai Health System); PubMed 30322717 (cited by 5 submitters); PubMed 30980208 (cited by 4 submitters); PubMed 31300551 (cited by 7 submitters); PubMed 32805687 (cited by Labcorp Genetics (formerly Invitae), Labcorp); PubMed 32923877 (cited by Labcorp Genetics (formerly Invitae), Labcorp); PubMed 35220195 (cited by Labcorp Genetics (formerly Invitae), Labcorp); PubMed 35418818 (cited by Labcorp Genetics (formerly Invitae), Labcorp); PubMed 34903604 (cited by 5 submitters); PubMed 36468172 (cited by Labcorp Genetics (formerly Invitae), Labcorp); PubMed 39642869 (cited by Quest Diagnostics Nichols Institute San Juan Capistrano); PubMed 38091153 (cited by Quest Diagnostics Nichols Institute San Juan Capistrano); PubMed 38201524 (cited by Quest Diagnostics Nichols Institute San Juan Capistrano); PubMed 38929805 (cited by Quest Diagnostics Nichols Institute San Juan Capistrano); PubMed 39684258 (cited by Quest Diagnostics Nichols Institute San Juan Capistrano); PubMed 27153395 (cited by 5 submitters); PubMed 27751358 (cited by Quest Diagnostics Nichols Institute San Juan Capistrano); PubMed 38136276 (cited by Quest Diagnostics Nichols Institute San Juan Capistrano); PubMed 30858171 (cited by 6 submitters); PubMed 28486781 (cited by 3 submitters); PubMed 29520813 (cited by 5 submitters); PubMed 29335925 (cited by 4 submitters); PubMed 28281021 (cited by Quest Diagnostics Nichols Institute San Juan Capistrano); PubMed 29406849 (cited by Quest Diagnostics Nichols Institute San Juan Capistrano); PubMed 31159747 (cited by Quest Diagnostics Nichols Institute San Juan Capistrano and Ambry Genetics); PubMed 30580288 (cited by 3 submitters); PubMed 28553140 (cited by Quest Diagnostics Nichols Institute San Juan Capistrano and Ambry Genetics); PubMed 32658311 (cited by 3 submitters); PubMed 32906215 (cited by 3 submitters); PubMed 30851065 (cited by 7 submitters); PubMed 12049740 (cited by Ambry Genetics); PubMed 25525159 (cited by Ambry Genetics); PubMed 26845104 (cited by Ambry Genetics); PubMed 31398194 (cited by Ambry Genetics); PubMed 32900738 (cited by Ambry Genetics); PubMed 33558524 (cited by Ambry Genetics and Women's Health and Genetics/Laboratory Corporation of America, LabCorp); PubMed 33925588 (cited by 3 submitters); PubMed 25186627 (cited by Color Diagnostics, LLC DBA Color Health and Department of Pathology and Laboratory Medicine, Sinai Health System); PubMed 25452441 (cited by Color Diagnostics, LLC DBA Color Health); PubMed 29522266 (cited by Color Diagnostics, LLC DBA Color Health); PubMed 35127508 (cited by Color Diagnostics, LLC DBA Color Health); PubMed 34903606 (cited by Department of Pathology and Laboratory Medicine, Sinai Health System); PubMed 25085752 (cited by Myriad Genetics, Inc.); PubMed 34433815 (cited by Sema4).